The following is an entry in ClinVar:

NC_000017.10:g.(?_44039704)_(44101537_?)dup

Genes: MAPT (microtubule associated protein tau), STH (saitohin). Cytogenetic location: 17q21.31.
Variant type: Duplication.
Identifiers: ClinVar variation 2425442 (VCV002425442.3).

ClinVar aggregate classification (germline): Uncertain significance (1 of 4 stars; one submission).

Conditions:
Frontotemporal dementia (FTD1). Also called: WILHELMSEN-LYNCH DISEASE; FRONTOTEMPORAL LOBAR DEGENERATION WITH TAU INCLUSIONS; FTLD WITH TAU INCLUSIONS; MULTIPLE SYSTEM TAUOPATHY WITH PRESENILE DEMENTIA; Frontotemporal lobe dementia (FLDEM); FRONTOTEMPORAL DEMENTIA WITH PARKINSONISM. Identifiers: Orphanet 282, MedGen C0338451, MONDO:0017276, OMIM 600274, HP:0002145.

Submission:

Labcorp Genetics (formerly Invitae), Labcorp
Classification: Uncertain significance for Frontotemporal dementia. Last evaluated: 2022-05-11. Review status: criteria provided, single submitter. Criteria: Invitae Variant Classification Sherloc (09022015). Collection method: clinical testing. Allele origin: germline.
Comment: A copy number gain of the genomic region encompassing the full coding sequence of the MAPT gene has been identified. The boundaries of this event are unknown as they extend beyond the assayed region for this gene and therefore may encompass additional genes. As the precise location of this event is unknown, it may be in tandem or it may be located elsewhere in the genome. A similar copy number variant has been observed in individual(s) with frontotemporal dementia and progressive supranuclear palsy (PMID: 23752245, 31059154). It has also been observed to segregate with disease in related individuals. In summary, the available evidence is currently insufficient to determine the role of this variant in disease. Therefore, it has been classified as a Variant of Uncertain Significance.

Literature cited by the submitters: PubMed 23752245; PubMed 31059154.